The following is an entry in ClinVar:

ClinVar aggregate classification (germline): Likely benign. Review status: criteria provided, multiple submitters, no conflicts (2 of 4 stars). 2 submissions from 2 submitters: Likely benign (2). Last evaluated 2025-03-18.

Conditions:
CDKN1C-related disorder. Also called: CDKN1C-related condition.
Beckwith-Wiedemann syndrome (BWS). Also called: EMG SYNDROME; Exomphalos macroglossia gigantism syndrome. Identifiers: Orphanet 116, MedGen C0004903, MONDO:0007534, OMIM 130650.

Submissions (2):

Labcorp Genetics (formerly Invitae), Labcorp
Classification: Likely benign for Beckwith-Wiedemann syndrome. Last evaluated: 2025-03-18. Review status: criteria provided, single submitter. Criteria: Invitae Variant Classification Sherloc (09022015). Collection method: clinical testing. Allele origin: germline.

PreventionGenetics, part of Exact Sciences
Classification: Likely benign for CDKN1C-related condition. Last evaluated: 2024-11-03. Review status: criteria provided, single submitter. Criteria: ACMG Guidelines, 2015. Collection method: clinical testing. Allele origin: germline.
Comment: This variant is classified as likely benign based on ACMG/AMP sequence variant interpretation guidelines (Richards et al. 2015 PMID: 25741868, with internal and published modifications).

NM_001122630.2(CDKN1C):c.720G>A (p.Ala240=)

Gene: CDKN1C (cyclin dependent kinase inhibitor 1C; minus strand). Cytogenetic location: 11p15.4.
Variant type: single nucleotide variant.
Coding change: c.720G>A on transcript NM_001122630.2 (MANE Select); coding-DNA position 720, G replaced by A.
Protein change: p.Ala240=; no amino-acid change (alanine 240 retained).
Molecular consequence: synonymous variant. On other transcripts: intron variant (1).
Genome position (GRCh38, 1-based): chr11:2,884,737, C>T on the plus strand (G>A on the coding strand, the complement: CDKN1C is on the minus strand). VCF-style: chr11-2884737-C-T. GRCh37 (hg19) VCF-style: chr11-2905967-C-T.
Other names: c.753G>A, p.Ala251= (NM_000076.2, NM_001362474.2); c.720G>A, p.Ala240= (NM_001122631.2); c.255+465G>A (NM_001362475.2).
Identifiers: ClinVar variation 860956 (VCV000860956.10), dbSNP rs1848920006, ClinGen allele CA472483368.
Genomic context (GRCh38, chr11:2,884,737, plus strand): 5'-CAGAGGCCCGGACAGCTTCTTGATCGCCGCGCCGTTGGCGCTGGCGGCCGCGGTGCCGGC[C>T]GCGGGACGTCCCGAAATCCCCGAGTGCAGCTGGTCAGCGAGAGGCTCCTGGCCGCGCTGC-3'
Protein context (NP_001116102.1, residues 230-250): QLHSGISGRP[Ala240=]AGTAAASANG